The following is an entry in ClinVar:

ClinVar aggregate classification (germline): Uncertain significance. Review status: criteria provided, multiple submitters, no conflicts (2 of 4 stars). 2 submissions from 2 submitters: Uncertain significance (2). Last evaluated 2025-11-27.

Submissions (2):

Ambry Genetics
Classification: Uncertain significance. Last evaluated: 2025-11-27. Review status: criteria provided, single submitter. Criteria: Ambry Variant Classification Scheme 2023. Collection method: clinical testing. Allele origin: germline.

Labcorp Genetics (formerly Invitae), Labcorp
Classification: Uncertain significance. Last evaluated: 2023-01-02. Review status: criteria provided, single submitter. Criteria: Invitae Variant Classification Sherloc (09022015). Collection method: clinical testing. Allele origin: germline.
Comment: In summary, the available evidence is currently insufficient to determine the role of this variant in disease. Therefore, it has been classified as a Variant of Uncertain Significance. Advanced modeling of protein sequence and biophysical properties (such as structural, functional, and spatial information, amino acid conservation, physicochemical variation, residue mobility, and thermodynamic stability) performed at Invitae indicates that this missense variant is not expected to disrupt TNNI3K protein function. This variant has not been reported in the literature in individuals affected with TNNI3K-related conditions. This variant is not present in population databases (gnomAD no frequency). This sequence change replaces lysine, which is basic and polar, with arginine, which is basic and polar, at codon 402 of the TNNI3K protein (p.Lys402Arg).

NM_015978.3(TNNI3K):c.1205A>G (p.Lys402Arg)

Genes: FPGT-TNNI3K (FPGT-TNNI3K readthrough; plus strand), TNNI3K (TNNI3 interacting kinase; plus strand). Cytogenetic location: 1p31.1.
Variant type: single nucleotide variant.
Coding change: c.1205A>G on transcript NM_015978.3 (MANE Select); coding-DNA position 1205, A replaced by G.
Protein change: p.Lys402Arg; replaces lysine 402 with arginine.
Molecular consequence: missense variant.
Genome position (GRCh38, 1-based): chr1:74,367,283, A>G. VCF-style: chr1-74367283-A-G. GRCh37 (hg19) VCF-style: chr1-74832967-A-G.
Other names: c.1508A>G, p.Lys503Arg (NM_001112808.3, NM_001199327.2); c.1547A>G (NM_001112808.2); short protein forms K402R, K503R.
Identifiers: ClinVar variation 2825923 (VCV002825923.4), dbSNP rs924469250, ClinGen allele CA24543088.